The following is an entry in ClinVar:

NM_182961.4(SYNE1):c.11575T>C (p.Tyr3859His)

Gene: SYNE1 (spectrin repeat containing nuclear envelope protein 1; minus strand). Cytogenetic location: 6q25.2.
Variant type: single nucleotide variant.
Coding change: c.11575T>C on transcript NM_182961.4 (MANE Select); coding-DNA position 11575, T replaced by C.
Protein change: p.Tyr3859His; replaces tyrosine 3859 with histidine.
Molecular consequence: missense variant.
Genome position (GRCh38, 1-based): chr6:152,352,032, A>G on the plus strand (T>C on the coding strand, the complement: SYNE1 is on the minus strand). VCF-style: chr6-152352032-A-G. GRCh37 (hg19) VCF-style: chr6-152673167-A-G.
Other names: c.11530T>C, p.Tyr3844His (NM_033071.5); short protein forms Y3844H, Y3859H.
Identifiers: ClinVar variation 3061065 (VCV003061065.2), dbSNP rs2487819746, ClinGen allele CA366119123.

ClinVar aggregate classification (germline): Uncertain significance (0 of 4 stars; one submission).

Conditions:
SYNE1-related disorder. Also called: SYNE1-related disease; SYNE1-related condition; SYNE1-related disorders.

Submission:

PreventionGenetics, part of Exact Sciences
Classification: Uncertain significance for SYNE1-related condition. Last evaluated: 2024-02-20. Review status: no assertion criteria provided. Collection method: clinical testing. Allele origin: germline.
Comment: The SYNE1 c.11530T>C variant is predicted to result in the amino acid substitution p.Tyr3844His. To our knowledge, this variant has not been reported in the literature or in a large population database, indicating this variant is rare. At this time, the clinical significance of this variant is uncertain due to the absence of conclusive functional and genetic evidence.